The following is an entry in ClinVar:

ClinVar aggregate classification (germline): Pathogenic/Likely pathogenic. Review status: criteria provided, multiple submitters, no conflicts (2 of 4 stars). 3 submissions from 3 submitters: Pathogenic (1); Likely pathogenic (1). 1 of the submissions does not count toward it. Last evaluated 2024-03-01.

Conditions:
Autosomal recessive nonsyndromic hearing loss 3. Also called: NEUROSENSORY NONSYNDROMIC RECESSIVE DEAFNESS 3. Identifiers: Orphanet 90636, MedGen C1838263, MONDO:0010860, OMIM 600316.

Submissions (3):

CeGaT Center for Human Genetics Tuebingen
Classification: Likely pathogenic. Last evaluated: 2024-03-01. Review status: criteria provided, single submitter. Criteria: CeGaT Center For Human Genetics Tuebingen Variant Classification Criteria Version 2. Collection method: clinical testing. Allele origin: germline. Affected: yes. Observed: 1 variant allele.
Comment: MYO15A: PM2, PM3, PP1:Moderate, PS3:Supporting

Laboratory of Prof. Karen Avraham, Tel Aviv University
Classification: Pathogenic for Autosomal recessive nonsyndromic hearing loss 3. Last evaluated: 2021-01-31. Review status: criteria provided, single submitter. Criteria: ACMG Guidelines, 2015. Collection method: research. Allele origin: germline. Inheritance: Autosomal recessive inheritance. Affected: yes. Observed: 7 variant alleles, 7 homozygotes. Clinical features observed: Sensorineural hearing loss disorder (HP:0000407).
Comment: Congenital, profound NSHL

The Genetic Institute, Ha'emek Medical Center
Classification: Pathogenic for Autosomal recessive nonsyndromic hearing loss 3. Last evaluated: 2017-12-06. Review status: no assertion criteria provided. Collection method: research. Allele origin: germline. Affected: yes. Not counted in ClinVar's aggregate classification.
Comment: Profound SNHL

Literature cited by the submitters: PubMed 30139988 (cited by Laboratory of Prof. Karen Avraham, Tel Aviv University).

NM_016239.4(MYO15A):c.9083+6T>A

Gene: MYO15A (myosin XVA; plus strand). Cytogenetic location: 17p11.2.
Variant type: single nucleotide variant.
Coding change: c.9083+6T>A on transcript NM_016239.4 (MANE Select); 6 bases into the intron after coding-DNA position 9083, T replaced by A.
Molecular consequence: intron variant.
Genome position (GRCh38, 1-based): chr17:18,158,644, T>A. VCF-style: chr17-18158644-T-A. GRCh37 (hg19) VCF-style: chr17-18061958-T-A.
Identifiers: ClinVar variation 520436 (VCV000520436.24), dbSNP rs1555547112, ClinGen allele CA658798724.